The following is an entry in ClinVar:

NM_001365536.1(SCN9A):c.1408T>C (p.Ser470Pro)

Genes: SCN1A-AS1 (SCN1A and SCN9A antisense RNA 1; plus strand), SCN9A (sodium voltage-gated channel alpha subunit 9; minus strand). Cytogenetic location: 2q24.3.
Variant type: single nucleotide variant.
Coding change: c.1408T>C on transcript NM_001365536.1 (MANE Select); coding-DNA position 1408, T replaced by C.
Protein change: p.Ser470Pro; replaces serine 470 with proline.
Molecular consequence: missense variant.
Genome position (GRCh38, 1-based): chr2:166,286,530, A>G on the plus strand (T>C on the coding strand, the complement: SCN9A is on the minus strand). VCF-style: chr2-166286530-A-G. GRCh37 (hg19) VCF-style: chr2-167143040-A-G.
Other names: c.1408T>C, p.Ser470Pro (NM_002977.4); short protein forms S470P.
Identifiers: ClinVar variation 2078187 (VCV002078187.4), dbSNP rs764930552, ClinGen allele CA1944513.

ClinVar aggregate classification (germline): Uncertain significance (1 of 4 stars; one submission).

Conditions:
Neuropathy, hereditary sensory and autonomic, type 2A (HSAN2A). Also called: ACROOSTEOLYSIS, GIACCAI TYPE; ACROOSTEOLYSIS, NEUROGENIC; WNK1-Related HSAN2 (HSAN2A); MORVAN DISEASE; NEUROPATHY, CONGENITAL SENSORY; NEUROPATHY, HEREDITARY SENSORY RADICULAR, AUTOSOMAL RECESSIVE. Identifiers: Orphanet 970, MedGen C2752089, MONDO:0024309, OMIM 201300.
Generalized epilepsy with febrile seizures plus, type 7 (GEFSP7). Also called: GEFS+, TYPE 7. Identifiers: Orphanet 36387, MedGen C2751778, MONDO:0013470, OMIM 613863.

Allele frequency attached by ClinVar (database versions not stated): gnomAD exomes below 0.00001; ExAC 0.00001; TOPMed 0.00002; gnomAD 0.00003.
gnomAD v4.1: 6 of 1,611,916 alleles (0.00037%); highest among the groups gnomAD compares: African/African-American, 0.0067%; no homozygotes.

Submission:

Labcorp Genetics (formerly Invitae), Labcorp
Classification: Uncertain significance for Neuropathy, hereditary sensory and autonomic, type 2A; Generalized epilepsy with febrile seizures plus, type 7. Last evaluated: 2025-06-12. Review status: criteria provided, single submitter. Criteria: Invitae Variant Classification Sherloc (09022015). Collection method: clinical testing. Allele origin: germline.
Comment: This sequence change replaces serine, which is neutral and polar, with proline, which is neutral and non-polar, at codon 470 of the SCN9A protein (p.Ser470Pro). This variant is present in population databases (rs764930552, gnomAD 0.01%). This variant has not been reported in the literature in individuals affected with SCN9A-related conditions. ClinVar contains an entry for this variant (Variation ID: 2078187). Invitae Evidence Modeling of protein sequence and biophysical properties (such as structural, functional, and spatial information, amino acid conservation, physicochemical variation, residue mobility, and thermodynamic stability) indicates that this missense variant is not expected to disrupt SCN9A protein function with a negative predictive value of 95%. In summary, the available evidence is currently insufficient to determine the role of this variant in disease. Therefore, it has been classified as a Variant of Uncertain Significance.